The following is an entry in ClinVar:

NM_000217.3(KCNA1):c.1048G>A (p.Glu350Lys)

Gene: KCNA1 (potassium voltage-gated channel subfamily A member 1; plus strand). Cytogenetic location: 12p13.32.
Variant type: single nucleotide variant.
Coding change: c.1048G>A on transcript NM_000217.3 (MANE Select); coding-DNA position 1048, G replaced by A.
Protein change: p.Glu350Lys; replaces glutamic acid 350 with lysine.
Molecular consequence: missense variant.
Genome position (GRCh38, 1-based): chr12:4,912,426, G>A. VCF-style: chr12-4912426-G-A. GRCh37 (hg19) VCF-style: chr12-5021592-G-A.
Other names: c.1048G>A (NM_000217.2); short protein forms E350K.
Identifiers: ClinVar variation 3359115 (VCV003359115.3).

ClinVar aggregate classification (germline): Uncertain significance. Review status: criteria provided, multiple submitters, no conflicts (2 of 4 stars). 2 submissions from 2 submitters: Uncertain significance (2). Last evaluated 2023-11-24.

Conditions:
Episodic ataxia type 1 (EA1). Also called: MYOKYMIA WITH PERIODIC ATAXIA; PAROXYSMAL ATAXIA WITH NEUROMYOTONIA, HEREDITARY; Episodic ataxia/myokymia syndrome; ATAXIA, EPISODIC, WITH MYOKYMIA. Identifiers: Orphanet 37612, Orphanet 972, MedGen C1719788, MONDO:0008047, OMIM 160120.

Submissions (2):

Institute of Human Genetics, University of Leipzig Medical Center
Classification: Uncertain significance for Episodic ataxia type 1. Last evaluated: 2023-11-24. Review status: criteria provided, single submitter. Criteria: ACMG Guidelines, 2015. Collection method: clinical testing. Allele origin: paternal. Inheritance: Autosomal dominant inheritance. Affected: yes.
Comment: Criteria applied: PM1,PM2_SUP,PP1

Athena Diagnostics
Classification: Uncertain significance. Last evaluated: 2023-10-27. Review status: criteria provided, single submitter. Criteria: Athena Diagnostics Criteria. Collection method: clinical testing. Allele origin: unknown.
Comment: Available data are insufficient to determine the clinical significance of the variant at this time. This variant has not been reported in large, multi-ethnic general populations. Computational tools disagree on the variant's effect on normal protein function.